The following is an entry in ClinVar:

NM_205861.3(DHDDS):c.668C>G (p.Ser223Cys)

Gene: DHDDS (dehydrodolichyl diphosphate synthase subunit; plus strand). Cytogenetic location: 1p36.11.
Variant type: single nucleotide variant.
Coding change: c.668C>G on transcript NM_205861.3 (MANE Select); coding-DNA position 668, C replaced by G.
Protein change: p.Ser223Cys; replaces serine 223 with cysteine.
Molecular consequence: missense variant.
Genome position (GRCh38, 1-based): chr1:26,460,047, C>G. VCF-style: chr1-26460047-C-G. GRCh37 (hg19) VCF-style: chr1-26786538-C-G.
Other names: c.566C>G, p.Ser189Cys (NM_001243564.2); c.551C>G, p.Ser184Cys (NM_001243565.2); c.389C>G, p.Ser130Cys (NM_001319959.2); c.668C>G, p.Ser223Cys (NM_024887.4); short protein forms S130C, S184C, S189C, S223C.
Identifiers: ClinVar variation 1372885 (VCV001372885.3), dbSNP rs2124501296, ClinGen allele CA339145039.

ClinVar aggregate classification (germline): Uncertain significance (1 of 4 stars; one submission).

Conditions:
Retinitis pigmentosa 59 (RP59). Identifiers: Orphanet 791, MedGen C3151227, MONDO:0013468, OMIM 613861.

Allele frequency attached by ClinVar (database versions not stated): gnomAD exomes below 0.00001.
gnomAD v4.1: 1 of 1,614,106 alleles (0.000062%); highest among the groups gnomAD compares: Non-Finnish European, 0.000085%; no homozygotes.

Submission:

Labcorp Genetics (formerly Invitae), Labcorp
Classification: Uncertain significance for Retinitis pigmentosa 59. Last evaluated: 2022-03-09. Review status: criteria provided, single submitter. Criteria: Invitae Variant Classification Sherloc (09022015). Collection method: clinical testing. Allele origin: germline.
Comment: This sequence change replaces serine, which is neutral and polar, with cysteine, which is neutral and slightly polar, at codon 223 of the DHDDS protein (p.Ser223Cys). This variant is not present in population databases (gnomAD no frequency). This variant has not been reported in the literature in individuals affected with DHDDS-related conditions. Algorithms developed to predict the effect of missense changes on protein structure and function are either unavailable or do not agree on the potential impact of this missense change (SIFT: "Deleterious"; PolyPhen-2: "Benign"; Align-GVGD: "Class C15"). In summary, the available evidence is currently insufficient to determine the role of this variant in disease. Therefore, it has been classified as a Variant of Uncertain Significance.